The following is an entry in ClinVar:

ClinVar aggregate classification (germline): Conflicting classifications of pathogenicity. Review status: criteria provided, conflicting classifications (1 of 4 stars). 3 submissions from 3 submitters: Likely pathogenic (1); Uncertain significance (2). Last evaluated 2025-08-17.

Conditions:
Deficiency of aromatic-L-amino-acid decarboxylase. Also called: AADC DEFICIENCY; DDC DEFICIENCY; DOPA DECARBOXYLASE DEFICIENCY; Aromatic L-Amino Acid Decarboxylase Deficiency; Aromatic amino acid decarboxylase deficiency. Identifiers: Orphanet 35708, MedGen C1291564, MONDO:0012084, OMIM 608643.

Submissions (3):

Department of Molecular Genetics, Istishari Arab Hospital
Classification: Likely pathogenic for Deficiency of aromatic-L-amino-acid decarboxylase. Last evaluated: 2025-08-17. Review status: criteria provided, single submitter. Criteria: ACMG Guidelines, 2015. Collection method: clinical testing. Allele origin: inherited. Inheritance: Autosomal recessive inheritance. Affected: yes.
Comment: The DDC variant c.231C>A p.(Phe77Leu) causes an amino acid change from Phe to Leu at position 77 in exon(s) no. 3 (of 15). According to HGMD Professional 2024.1, this variant has previously been described as disease causing for aromatic L-amino acid decarboxylase deficiency (PMID:31849064, 36427457, 32369189). It is classified as likely pathogenic based on the implementation of the ACMG/AMP/ClinGen SVI guidelines.

3billion
Classification: Uncertain significance for Deficiency of aromatic-L-amino-acid decarboxylase. Last evaluated: 2025-07-25. Review status: criteria provided, single submitter. Criteria: ACMG Guidelines, 2015. Collection method: clinical testing. Allele origin: germline. Affected: yes.
Comment: The variant is not observed in the gnomAD v4.1.0 dataset. Predicted Consequence/Location: Missense variant In silico tool predictions suggest damaging effect of the variant on gene or gene product [3Cnet: 0.99 (> 0.75, sensitivity 0.96 and precision 0.92)]. The same nucleotide change resulting in the same amino acid change has been previously reported to be associated with DDC-related disorder (PMID: 31849064). Therefore, this variant is classified as VUS according to the recommendation of ACMG/AMP guideline.

Labcorp Genetics (formerly Invitae), Labcorp
Classification: Uncertain significance for Deficiency of aromatic-L-amino-acid decarboxylase. Last evaluated: 2021-07-31. Review status: criteria provided, single submitter. Criteria: Invitae Variant Classification Sherloc (09022015). Collection method: clinical testing. Allele origin: germline.
Comment: This sequence change replaces phenylalanine with leucine at codon 77 of the DDC protein (p.Phe77Leu). The phenylalanine residue is highly conserved and there is a small physicochemical difference between phenylalanine and leucine. This variant is not present in population databases (ExAC no frequency). This missense change has been observed in individual(s) with aromatic L-amino acid decarboxylase deficiency (PMID: 31849064). Algorithms developed to predict the effect of missense changes on protein structure and function are either unavailable or do not agree on the potential impact of this missense change (SIFT: "Tolerated"; PolyPhen-2: "Possibly Damaging"; Align-GVGD: "Class C0"). Algorithms developed to predict the effect of sequence changes on RNA splicing suggest that this variant may create or strengthen a splice site. In summary, the available evidence is currently insufficient to determine the role of this variant in disease. Therefore, it has been classified as a Variant of Uncertain Significance.

Literature cited by the submitters: PubMed 31849064 (cited by 3 submitters); PubMed 36427457 (cited by Department of Molecular Genetics, Istishari Arab Hospital); PubMed 32369189 (cited by Department of Molecular Genetics, Istishari Arab Hospital).

NM_001082971.2(DDC):c.231C>A (p.Phe77Leu)

Genes: DDC (dopa decarboxylase; minus strand), DDC-AS1 (DDC antisense RNA 1; plus strand). Cytogenetic location: 7p12.1.
Variant type: single nucleotide variant.
Coding change: c.231C>A on transcript NM_001082971.2 (MANE Select); coding-DNA position 231, C replaced by A.
Protein change: p.Phe77Leu; replaces phenylalanine 77 with leucine.
Molecular consequence: missense variant. On other transcripts: non-coding transcript variant (1), intron variant (2).
Genome position (GRCh38, 1-based): chr7:50,539,999, G>T on the plus strand (C>A on the coding strand, the complement: DDC is on the minus strand). VCF-style: chr7-50539999-G-T. GRCh37 (hg19) VCF-style: chr7-50607697-G-T.
Other names: p.(Phe77Leu); c.231C>A, p.Phe77Leu (NM_000790.4, NM_001242887.2, NM_001242889.2 and 1 more transcripts); c.231C>A (NM_000790.3); c.201+3886C>A (NM_001242888.2); c.202-2020C>A (NM_001242886.2); short protein forms F77L.
Identifiers: ClinVar variation 1430305 (VCV001430305.4), dbSNP rs751519679, ClinGen allele CA367529858.